The following is an entry in ClinVar:

ClinVar aggregate classification (germline): Likely pathogenic (1 of 4 stars; one submission).

Conditions:
Citrullinemia type I (CTNL1). Also called: ASS DEFICIENCY; argininosuccinate synthetase deficiency. Identifiers: Orphanet 247525, MedGen C4721769, MONDO:0008988, OMIM 215700.

gnomAD v4.1: 1 of 1,614,042 alleles (0.000062%); highest among the groups gnomAD compares: Non-Finnish European, 0.000085%; no homozygotes.

Submission:

Juno Genomics, Hangzhou Juno Genomics, Inc
Classification: Likely pathogenic for Citrullinemia type I. Review status: criteria provided, single submitter. Criteria: ACMG Guidelines, 2015. Collection method: clinical testing. Allele origin: germline. Affected: yes.
Comment: Absent from controls (or at extremely low frequency if recessive) in Genome Aggregation Database, Exome Sequencing Project, 1000 Genomes Project, or Exome Aggregation Consortium.;Multiple lines of computational evidence support a deleterious effect on the gene or gene product (conservation, evolutionary, splicing impact, etc).;For recessive disorders, detected in trans with a pathogenic variant.;Patient's phenotype or family history is highly specific for a disease with a single genetic etiology.

NM_054012.4(ASS1):c.552C>A (p.Asn184Lys)

Gene: ASS1 (argininosuccinate synthase 1; plus strand). Cytogenetic location: 9q34.11.
Variant type: single nucleotide variant.
Coding change: c.552C>A on transcript NM_054012.4 (MANE Select); coding-DNA position 552, C replaced by A.
Protein change: p.Asn184Lys; replaces asparagine 184 with lysine.
Molecular consequence: missense variant.
Genome position (GRCh38, 1-based): chr9:130,470,890, C>A. VCF-style: chr9-130470890-C-A. GRCh37 (hg19) VCF-style: chr9-133346277-C-A.
Other names: c.552C>A, p.Asn184Lys (NM_000050.4); short protein forms N184K.
Identifiers: ClinVar variation 3381969 (VCV003381969.2).